The following is an entry in ClinVar:

ClinVar aggregate classification (germline): Uncertain significance (1 of 4 stars; one submission).

Conditions:
Cardiovascular phenotype. Identifiers: MedGen CN230736.

gnomAD v4.1: 1 of 1,614,194 alleles (0.000062%); highest among the groups gnomAD compares: Non-Finnish European, 0.000085%; no homozygotes.

Submission:

Ambry Genetics
Classification: Uncertain significance for Cardiovascular phenotype. Last evaluated: 2025-05-18. Review status: criteria provided, single submitter. Criteria: Ambry Variant Classification Scheme 2023. Collection method: clinical testing. Allele origin: germline.
Comment: The p.T1733I variant (also known as c.5198C>T), located in coding exon 27 of the SCN10A gene, results from a C to T substitution at nucleotide position 5198. The threonine at codon 1733 is replaced by isoleucine, an amino acid with similar properties. This amino acid position is conserved. In addition, the in silico prediction for this alteration is inconclusive. Based on the available evidence, the clinical significance of this variant remains unclear.

NM_006514.4(SCN10A):c.5198C>T (p.Thr1733Ile)

Gene: SCN10A (sodium voltage-gated channel alpha subunit 10; minus strand). Cytogenetic location: 3p22.2.
Variant type: single nucleotide variant.
Coding change: c.5198C>T on transcript NM_006514.4 (MANE Select); coding-DNA position 5198, C replaced by T.
Protein change: p.Thr1733Ile; replaces threonine 1733 with isoleucine.
Molecular consequence: missense variant.
Genome position (GRCh38, 1-based): chr3:38,698,022, G>A on the plus strand (C>T on the coding strand, the complement: SCN10A is on the minus strand). VCF-style: chr3-38698022-G-A. GRCh37 (hg19) VCF-style: chr3-38739513-G-A.
Other names: c.5195C>T, p.Thr1732Ile (NM_001293306.2); c.4904C>T, p.Thr1635Ile (NM_001293307.2); short protein forms T1635I, T1733I, T1732I.
Identifiers: ClinVar variation 3950880 (VCV003950880.1).